The following is an entry in ClinVar:

ClinVar aggregate classification (germline): Uncertain significance (1 of 4 stars; one submission).

Conditions:
Cardiovascular phenotype. Identifiers: MedGen CN230736.

Submission:

Ambry Genetics
Classification: Uncertain significance for Cardiovascular phenotype. Last evaluated: 2026-07-07. Review status: criteria provided, single submitter. Criteria: Ambry Variant Classification Scheme 2023. Collection method: clinical testing. Allele origin: germline.
Comment: The p.D1472N variant (also known as c.4414G>A), located in coding exon 26 of the APOB gene, results from a G to A substitution at nucleotide position 4414. The aspartic acid at codon 1472 is replaced by asparagine, an amino acid with highly similar properties. This amino acid position is conserved. In addition, this alteration is predicted to be tolerated by in silico analysis. Based on the available evidence, the clinical significance of this variant remains unclear.

NM_000384.3(APOB):c.4414G>A (p.Asp1472Asn)

Gene: APOB (apolipoprotein B; minus strand). Cytogenetic location: 2p24.1.
Variant type: single nucleotide variant.
Coding change: c.4414G>A on transcript NM_000384.3 (MANE Select); coding-DNA position 4414, G replaced by A.
Protein change: p.Asp1472Asn; replaces aspartic acid 1472 with asparagine.
Molecular consequence: missense variant.
Genome position (GRCh38, 1-based): chr2:21,012,454, C>T on the plus strand (G>A on the coding strand, the complement: APOB is on the minus strand). VCF-style: chr2-21012454-C-T. GRCh37 (hg19) VCF-style: chr2-21235326-C-T.
Other names: short protein forms D1472N.
Identifiers: ClinVar variation 5027611 (VCV005027611.1).
Genomic context (GRCh38, chr2:21,012,454, plus strand): 5'-CTCTGAACTGCCCATCAATCTTGACTTCTTTGACAAACAAATGCTGTTTCTTTTTGGAGT[C>T]CAAATGAACTGAAGCAGACATCTGTGGTCCCCAGGAACTAGATGCATCGAATATTAGTAA-3'
Protein context (NP_000375.3, residues 1462-1482): GPQMSASVHL[Asp1472Asn]SKKKQHLFVK